The following is an entry in ClinVar:

ClinVar aggregate classification (germline): Uncertain significance. Review status: criteria provided, single submitter (1 of 4 stars). 2 submissions from 2 submitters: Uncertain significance (1). 1 of the submissions does not count toward it. Last evaluated 2024-11-06.

Conditions:
NUP93-related disorder. Also called: NUP93-related condition.

Allele frequency attached by ClinVar (database versions not stated): ESP Exome Variant Server 0.00008; gnomAD 0.00009; 1000 Genomes Project 0.00020; gnomAD exomes 0.00026; 1000 Genomes Project 30x 0.00031; ExAC 0.00060.
gnomAD v4.1: 394 of 1,610,878 alleles (0.024%); highest among the groups gnomAD compares: South Asian, 0.38%; 2 homozygotes.

Submissions (2):

Blueprint Genetics
Classification: Uncertain significance. Last evaluated: 2024-11-06. Review status: criteria provided, single submitter. Criteria: ACMG Guidelines, 2015. Collection method: clinical testing. Allele origin: germline.

PreventionGenetics, part of Exact Sciences
Classification: Likely benign for NUP93-related condition. Last evaluated: 2023-01-20. Review status: no assertion criteria provided. Collection method: clinical testing. Allele origin: germline. Not counted in ClinVar's aggregate classification.
Comment: This variant is classified as likely benign based on ACMG/AMP sequence variant interpretation guidelines (Richards et al. 2015 PMID: 25741868, with internal and published modifications).

NM_014669.5(NUP93):c.1000G>A (p.Ala334Thr)

Gene: NUP93 (nucleoporin 93; plus strand). Cytogenetic location: 16q13.
Variant type: single nucleotide variant.
Coding change: c.1000G>A on transcript NM_014669.5 (MANE Select); coding-DNA position 1000, G replaced by A.
Protein change: p.Ala334Thr; replaces alanine 334 with threonine.
Molecular consequence: missense variant.
Genome position (GRCh38, 1-based): chr16:56,830,600, G>A. VCF-style: chr16-56830600-G-A. GRCh37 (hg19) VCF-style: chr16-56864512-G-A.
Other names: c.631G>A, p.Ala211Thr (NM_001242795.2, NM_001242796.2); short protein forms A211T, A334T.
Identifiers: ClinVar variation 3035470 (VCV003035470.3), dbSNP rs145578512, ClinGen allele CA8068296.